The following is an entry in ClinVar:

ClinVar aggregate classification (germline): Uncertain significance (1 of 4 stars; one submission).

Submission:

Labcorp Genetics (formerly Invitae), Labcorp
Classification: Uncertain significance. Last evaluated: 2024-02-24. Review status: criteria provided, single submitter. Criteria: Invitae Variant Classification Sherloc (09022015). Collection method: clinical testing. Allele origin: germline.
Comment: This sequence change replaces alanine, which is neutral and non-polar, with threonine, which is neutral and polar, at codon 309 of the ESPN protein (p.Ala309Thr). This variant is not present in population databases (gnomAD no frequency). This variant has not been reported in the literature in individuals affected with ESPN-related conditions. ClinVar contains an entry for this variant (Variation ID: 2045333). An algorithm developed to predict the effect of missense changes on protein structure and function (PolyPhen-2) suggests that this variant is likely to be tolerated. In summary, the available evidence is currently insufficient to determine the role of this variant in disease. Therefore, it has been classified as a Variant of Uncertain Significance.

NM_031475.3(ESPN):c.925G>A (p.Ala309Thr)

Gene: ESPN (espin; plus strand). Cytogenetic location: 1p36.31.
Variant type: single nucleotide variant.
Coding change: c.925G>A on transcript NM_031475.3 (MANE Select); coding-DNA position 925, G replaced by A.
Protein change: p.Ala309Thr; replaces alanine 309 with threonine.
Molecular consequence: missense variant.
Genome position (GRCh38, 1-based): chr1:6,441,000, G>A. VCF-style: chr1-6441000-G-A. GRCh37 (hg19) VCF-style: chr1-6501060-G-A.
Other names: c.925G>A, p.Ala309Thr (NM_001367473.1, NM_001367474.1); short protein forms A309T.
Identifiers: ClinVar variation 2045333 (VCV002045333.4), dbSNP rs1228476419, ClinGen allele CA338091691.